The following is an entry in ClinVar:

NM_001184.4(ATR):c.7864T>C (p.Tyr2622His)

Gene: ATR (ATR checkpoint kinase; minus strand). Cytogenetic location: 3q23.
Variant type: single nucleotide variant.
Coding change: c.7864T>C on transcript NM_001184.4 (MANE Select); coding-DNA position 7864, T replaced by C.
Protein change: p.Tyr2622His; replaces tyrosine 2622 with histidine.
Molecular consequence: missense variant.
Genome position (GRCh38, 1-based): chr3:142,449,500, A>G on the plus strand (T>C on the coding strand, the complement: ATR is on the minus strand). VCF-style: chr3-142449500-A-G. GRCh37 (hg19) VCF-style: chr3-142168342-A-G.
Other names: c.7672T>C, p.Tyr2558His (NM_001354579.2); short protein forms Y2558H, Y2622H.
Identifiers: ClinVar variation 899824 (VCV000899824.13), dbSNP rs374127772, ClinGen allele CA2649018.

ClinVar aggregate classification (germline): Uncertain significance. Review status: criteria provided, multiple submitters, no conflicts (2 of 4 stars). 6 submissions from 5 submitters: Uncertain significance (6). Last evaluated 2025-02-02.

Conditions:
Inborn genetic diseases. Identifiers: MedGen C0950123, MeSH D030342.
Familial cutaneous telangiectasia and oropharyngeal predisposition cancer syndrome. Identifiers: Orphanet 313846, MedGen C3281203, MONDO:0013806, OMIM 614564.
Seckel syndrome 1 (SCKL1). Also called: MICROCEPHALIC PRIMORDIAL DWARFISM I. Identifiers: Orphanet 808, MedGen C4551474, MONDO:0008869, OMIM 210600.

Allele frequency attached by ClinVar (database versions not stated): gnomAD exomes 0.00005 and 0.00020; ExAC 0.00006; gnomAD 0.00007; TOPMed 0.00008; ESP Exome Variant Server 0.00023.

Submissions (6):

Labcorp Genetics (formerly Invitae), Labcorp
Classification: Uncertain significance. Last evaluated: 2025-02-02. Review status: criteria provided, single submitter. Criteria: Invitae Variant Classification Sherloc (09022015). Collection method: clinical testing. Allele origin: germline.
Comment: This sequence change replaces tyrosine, which is neutral and polar, with histidine, which is basic and polar, at codon 2622 of the ATR protein (p.Tyr2622His). This variant is present in population databases (rs374127772, gnomAD 0.01%). This variant has not been reported in the literature in individuals affected with ATR-related conditions. ClinVar contains an entry for this variant (Variation ID: 899824). An algorithm developed to predict the effect of missense changes on protein structure and function (PolyPhen-2) suggests that this variant¬†is likely to be tolerated. In summary, the available evidence is currently insufficient to determine the role of this variant in disease. Therefore, it has been classified as a Variant of Uncertain Significance.

Genome-Nilou Lab
Classification: Uncertain significance for Seckel syndrome 1. Last evaluated: 2023-02-08. Review status: criteria provided, single submitter. Criteria: ACMG Guidelines, 2015. Collection method: clinical testing. Allele origin: germline.

Genome-Nilou Lab
Classification: Uncertain significance for Familial cutaneous telangiectasia and oropharyngeal predisposition cancer syndrome. Last evaluated: 2023-02-08. Review status: criteria provided, single submitter. Criteria: ACMG Guidelines, 2015. Collection method: clinical testing. Allele origin: germline.

Ambry Genetics
Classification: Uncertain significance for Inborn genetic diseases. Last evaluated: 2023-02-04. Review status: criteria provided, single submitter. Criteria: Ambry Variant Classification Scheme 2023. Collection method: clinical testing. Allele origin: germline.
Comment: The p.Y2622H variant (also known as c.7864T>C), located in coding exon 47 of the ATR gene, results from a T to C substitution at nucleotide position 7864. The tyrosine at codon 2622 is replaced by histidine, an amino acid with similar properties. This amino acid position is conserved. In addition, this alteration is predicted to be tolerated by in silico analysis. Since supporting evidence is limited at this time, the clinical significance of this alteration remains unclear.

GeneDx
Classification: Uncertain significance. Last evaluated: 2022-11-15. Review status: criteria provided, single submitter. Criteria: GeneDx Variant Classification Process June 2021. Collection method: clinical testing. Allele origin: germline. Affected: yes.
Comment: In silico analysis supports that this missense variant does not alter protein structure/function; Has not been previously published as pathogenic or benign to our knowledge

Illumina Laboratory Services, Illumina
Classification: Uncertain significance for Seckel syndrome 1. Last evaluated: 2018-03-16. Review status: criteria provided, single submitter. Criteria: ICSL Variant Classification Criteria 13 December 2019. Collection method: clinical testing. Allele origin: germline.